The following is an entry in ClinVar:

ClinVar aggregate classification (germline): Uncertain significance (1 of 4 stars; one submission).

Submission:

CeGaT Center for Human Genetics Tuebingen
Classification: Uncertain significance. Last evaluated: 2026-08-01. Review status: criteria provided, single submitter. Criteria: CeGaT Center For Human Genetics Tuebingen Variant Classification Criteria Version 2. Collection method: clinical testing. Allele origin: germline. Affected: yes. Observed: 1 variant allele.
Comment: DCLRE1B: PM2, BP4

NM_022836.4(DCLRE1B):c.410A>G (p.Lys137Arg)

Gene: DCLRE1B (DNA cross-link repair 1B; plus strand). Cytogenetic location: 1p13.2.
Variant type: single nucleotide variant.
Coding change: c.410A>G on transcript NM_022836.4 (MANE Select); coding-DNA position 410, A replaced by G.
Protein change: p.Lys137Arg; replaces lysine 137 with arginine.
Molecular consequence: missense variant.
Genome position (GRCh38, 1-based): chr1:113,908,063, A>G. VCF-style: chr1-113908063-A-G. GRCh37 (hg19) VCF-style: chr1-114450685-A-G.
Other names: c.32A>G, p.Lys11Arg (NM_001319946.2, NM_001319947.2, NM_001363691.2); c.410A>G, p.Lys137Arg (NM_001363690.2); short protein forms K11R, K137R.
Identifiers: ClinVar variation 5040670 (VCV005040670.1).